The following is an entry in ClinVar:

NM_005554.4(KRT6A):c.1221C>T (p.Ala407=)

Gene: KRT6A (keratin 6A; minus strand). Cytogenetic location: 12q13.13.
Variant type: single nucleotide variant.
Coding change: c.1221C>T on transcript NM_005554.4 (MANE Select); coding-DNA position 1221, C replaced by T.
Protein change: p.Ala407=; no amino-acid change (alanine 407 retained).
Molecular consequence: synonymous variant.
Genome position (GRCh38, 1-based): chr12:52,488,531, G>A on the plus strand (C>T on the coding strand, the complement: KRT6A is on the minus strand). VCF-style: chr12-52488531-G-A. GRCh37 (hg19) VCF-style: chr12-52882315-G-A.
Identifiers: ClinVar variation 2046244 (VCV002046244.29), dbSNP rs369027797, ClinGen allele CA6581915.

ClinVar aggregate classification (germline): Likely benign. Review status: criteria provided, multiple submitters, no conflicts (2 of 4 stars). 3 submissions from 3 submitters: Likely benign (3). Last evaluated 2026-08-01.

Allele frequency attached by ClinVar (database versions not stated): ESP Exome Variant Server 0.00031; ExAC 0.00066; gnomAD 0.00140; 1000 Genomes Project 30x 0.00265.
gnomAD v4.1: 841 of 1,613,516 alleles (0.052%); highest among the groups gnomAD compares: Admixed American, 0.22%; 3 homozygotes.

Submissions (3):

CeGaT Center for Human Genetics Tuebingen
Classification: Likely benign. Last evaluated: 2026-08-01. Review status: criteria provided, single submitter. Criteria: CeGaT Center For Human Genetics Tuebingen Variant Classification Criteria Version 2. Collection method: clinical testing. Allele origin: germline. Affected: yes. Observed: 4 variant alleles.
Comment: KRT6A: BP4, BP7

Labcorp Genetics (formerly Invitae), Labcorp
Classification: Likely benign. Last evaluated: 2025-10-01. Review status: criteria provided, single submitter. Criteria: Invitae Variant Classification Sherloc (09022015). Collection method: clinical testing. Allele origin: germline.

Blueprint Genetics
Classification: Likely benign. Last evaluated: 2024-10-16. Review status: criteria provided, single submitter. Criteria: ACMG Guidelines, 2015. Collection method: clinical testing. Allele origin: germline.